The following is an entry in ClinVar:

ClinVar aggregate classification (germline): Uncertain significance (1 of 4 stars; one submission).

Conditions:
Retinoblastoma (RB1). Also called: RETINOBLASTOMA, SOMATIC. Identifiers: Orphanet 790, MedGen C0035335, MeSH D012175, MONDO:0008380, OMIM 180200, HP:0009919. Disease mechanism: loss of function. Inheritance: Both sporadic and heritable forms are tested..

Submission:

Labcorp Genetics (formerly Invitae), Labcorp
Classification: Uncertain significance for Retinoblastoma. Last evaluated: 2020-04-23. Review status: criteria provided, single submitter. Criteria: Invitae Variant Classification Sherloc (09022015). Collection method: clinical testing. Allele origin: germline.
Comment: This sequence change replaces lysine with arginine at codon 420 of the RB1 protein (p.Lys420Arg). The lysine residue is moderately conserved and there is a small physicochemical difference between lysine and arginine. This variant is not present in population databases (ExAC no frequency). This variant has not been reported in the literature in individuals with RB1-related conditions. Algorithms developed to predict the effect of missense changes on protein structure and function (SIFT, PolyPhen-2, Align-GVGD) all suggest that this variant is likely to be tolerated, but these predictions have not been confirmed by published functional studies and their clinical significance is uncertain. In summary, the available evidence is currently insufficient to determine the role of this variant in disease. Therefore, it has been classified as a Variant of Uncertain Significance.

NM_000321.3(RB1):c.1259A>G (p.Lys420Arg)

Gene: RB1 (RB transcriptional corepressor 1; plus strand). Cytogenetic location: 13q14.2.
Variant type: single nucleotide variant.
Coding change: c.1259A>G on transcript NM_000321.3 (MANE Select); coding-DNA position 1259, A replaced by G.
Protein change: p.Lys420Arg; replaces lysine 420 with arginine.
Molecular consequence: missense variant.
Genome position (GRCh38, 1-based): chr13:48,376,961, A>G. VCF-style: chr13-48376961-A-G. GRCh37 (hg19) VCF-style: chr13-48951097-A-G.
Other names: short protein forms K420R.
Identifiers: ClinVar variation 1059092 (VCV001059092.9), dbSNP rs2138136389, ClinGen allele CA388162029.